The following is an entry in ClinVar:

ClinVar aggregate classification (germline): Likely pathogenic (1 of 4 stars; one submission).

Submission:

Labcorp Genetics (formerly Invitae), Labcorp
Classification: Likely pathogenic. Last evaluated: 2022-03-31. Review status: criteria provided, single submitter. Criteria: Invitae Variant Classification Sherloc (09022015). Collection method: clinical testing. Allele origin: germline.
Comment: In summary, the currently available evidence indicates that the variant is pathogenic, but additional data are needed to prove that conclusively. Therefore, this variant has been classified as Likely Pathogenic. Algorithms developed to predict the effect of sequence changes on RNA splicing suggest that this variant may disrupt the consensus splice site. This variant has not been reported in the literature in individuals affected with COL7A1-related conditions. This variant is not present in population databases (gnomAD no frequency). This sequence change affects a donor splice site in intron 45 of the COL7A1 gene. It is expected to disrupt RNA splicing. Variants that disrupt the donor or acceptor splice site typically lead to a loss of protein function (PMID: 16199547), and loss-of-function variants in COL7A1 are known to be pathogenic (PMID: 16971478).

Literature cited by the submitters: PubMed 16199547; PubMed 16971478.

NM_000094.4(COL7A1):c.4599+2T>C

Gene: COL7A1 (collagen type VII alpha 1 chain; minus strand). Cytogenetic location: 3p21.31.
Variant type: single nucleotide variant.
Coding change: c.4599+2T>C on transcript NM_000094.4 (MANE Select); the canonical splice donor site of the intron after coding-DNA position 4599, T replaced by C.
Molecular consequence: splice donor variant.
Genome position (GRCh38, 1-based): chr3:48,582,476, A>G on the plus strand (T>C on the coding strand, the complement: COL7A1 is on the minus strand). VCF-style: chr3-48582476-A-G. GRCh37 (hg19) VCF-style: chr3-48619909-A-G.
Identifiers: ClinVar variation 2119845 (VCV002119845.4), dbSNP rs2531123654, ClinGen allele CA352687824.
Genomic context (GRCh38, chr3:48,582,476, plus strand): 5'-CCCAGTGTCCCATCTGCCACATCCCTAGTACCAGACAGTGCCACCCCCAGCCGAGGACCC[A>G]CCTTCTCTCCTTGGCGGCCAGTGGGTCCTGGTGGCCCCTGAATGTAGAGAAAGTGTGAGC-3'